The following is an entry in ClinVar:

ClinVar aggregate classification (germline): Likely benign (0 of 4 stars; one submission).

Conditions:
METTL13-related disorder. Also called: METTL13-related condition.

Allele frequency attached by ClinVar (database versions not stated): 1000 Genomes Project 30x 0.00016; 1000 Genomes Project 0.00020; gnomAD 0.00180; TOPMed 0.00180; ExAC 0.00220; ESP Exome Variant Server 0.00246; gnomAD exomes 0.00330.

Submission:

PreventionGenetics, part of Exact Sciences
Classification: Likely benign for METTL13-related condition. Last evaluated: 2019-07-23. Review status: no assertion criteria provided. Collection method: clinical testing. Allele origin: germline.
Comment: This variant is classified as likely benign based on ACMG/AMP sequence variant interpretation guidelines (Richards et al. 2015 PMID: 25741868, with internal and published modifications).

NM_015935.5(METTL13):c.936G>A (p.Glu312=)

Gene: METTL13 (methyltransferase 13, eEF1A N-terminus and K55; plus strand). Cytogenetic location: 1q24.3.
Variant type: single nucleotide variant.
Coding change: c.936G>A on transcript NM_015935.5 (MANE Select); coding-DNA position 936, G replaced by A.
Protein change: p.Glu312=; no amino-acid change (glutamic acid 312 retained).
Molecular consequence: synonymous variant.
Genome position (GRCh38, 1-based): chr1:171,785,901, G>A. VCF-style: chr1-171785901-G-A. GRCh37 (hg19) VCF-style: chr1-171755041-G-A.
Other names: c.468G>A, p.Glu156= (NM_001007239.2); c.678G>A, p.Glu226= (NM_014955.3).
Identifiers: ClinVar variation 3050673 (VCV003050673.2), dbSNP rs146649028, ClinGen allele CA1244759.